The following is an entry in ClinVar:

NM_015213.4(DENND5A):c.2918C>G (p.Ala973Gly)

Gene: DENND5A (DENN domain containing 5A; minus strand). Cytogenetic location: 11p15.4.
Variant type: single nucleotide variant.
Coding change: c.2918C>G on transcript NM_015213.4 (MANE Select); coding-DNA position 2918, C replaced by G.
Protein change: p.Ala973Gly; replaces alanine 973 with glycine.
Molecular consequence: missense variant. On other transcripts: non-coding transcript variant (1).
Genome position (GRCh38, 1-based): chr11:9,145,755, G>C on the plus strand (C>G on the coding strand, the complement: DENND5A is on the minus strand). VCF-style: chr11-9145755-G-C. GRCh37 (hg19) VCF-style: chr11-9167302-G-C.
Other names: c.2918C>G, p.Ala973Gly (NM_001243254.2, NM_001348748.1); c.2846C>G, p.Ala949Gly (NM_001348749.2); c.2630C>G, p.Ala877Gly (NM_001348750.2); short protein forms A877G, A949G, A973G.
Identifiers: ClinVar variation 2061128 (VCV002061128.1), dbSNP rs761341071, ClinGen allele CA5877183.

ClinVar aggregate classification (germline): Uncertain significance (1 of 4 stars; one submission).

Allele frequency attached by ClinVar (database versions not stated): gnomAD 0.00001; gnomAD exomes 0.00001; TOPMed 0.00001; ExAC 0.00002.
gnomAD v4.1: 18 of 1,614,026 alleles (0.0011%); highest among the groups gnomAD compares: Admixed American, 0.005%; no homozygotes.

Submission:

Labcorp Genetics (formerly Invitae), Labcorp
Classification: Uncertain significance. Last evaluated: 2022-06-14. Review status: criteria provided, single submitter. Criteria: Invitae Variant Classification Sherloc (09022015). Collection method: clinical testing. Allele origin: germline.
Comment: This sequence change replaces alanine, which is neutral and non-polar, with glycine, which is neutral and non-polar, at codon 973 of the DENND5A protein (p.Ala973Gly). This variant is present in population databases (rs761341071, gnomAD 0.006%). This variant has not been reported in the literature in individuals affected with DENND5A-related conditions. Algorithms developed to predict the effect of missense changes on protein structure and function are either unavailable or do not agree on the potential impact of this missense change (SIFT: "Tolerated"; PolyPhen-2: "Possibly Damaging"; Align-GVGD: "Class C0"). In summary, the available evidence is currently insufficient to determine the role of this variant in disease. Therefore, it has been classified as a Variant of Uncertain Significance.